The following is an entry in ClinVar:

NM_022114.4(PRDM16):c.*15G>A

Gene: PRDM16 (PR/SET domain 16; plus strand). Cytogenetic location: 1p36.32.
Variant type: single nucleotide variant.
Coding change: c.*15G>A on transcript NM_022114.4 (MANE Select); 15 bases downstream of the stop codon, G replaced by A.
Molecular consequence: 3 prime UTR variant.
Genome position (GRCh38, 1-based): chr1:3,433,826, G>A. VCF-style: chr1-3433826-G-A. GRCh37 (hg19) VCF-style: chr1-3350390-G-A.
Other names: c.*15G>A (NM_199454.3, NM_022114.3).
Identifiers: ClinVar variation 1195724 (VCV001195724.3), dbSNP rs771401380, ClinGen allele CA545006.

ClinVar aggregate classification (germline): Benign/Likely benign. Review status: criteria provided, multiple submitters, no conflicts (2 of 4 stars). 2 submissions from 2 submitters: Benign (1); Likely benign (1). Last evaluated 2023-04-11.

Allele frequency attached by ClinVar (database versions not stated): gnomAD 0.00007; gnomAD exomes 0.00007; TOPMed 0.00009; ExAC 0.00010.
gnomAD v4.1: 122 of 1,609,906 alleles (0.0076%); highest among the groups gnomAD compares: Non-Finnish European, 0.0089%; 1 homozygote.

Submissions (2):

Women's Health and Genetics/Laboratory Corporation of America, LabCorp
Classification: Benign. Last evaluated: 2023-04-11. Review status: criteria provided, single submitter. Criteria: LabCorp Variant Classification Summary - May 2015. Collection method: clinical testing. Allele origin: germline.
Comment: Variant summary: PRDM16 c.*15G>A is located in the untranslated mRNA region downstream of the termination codon. The variant allele was found at a frequency of 7.4e-05 in 244830 control chromosomes in the gnomAD database, including 1 homozygotes. The observed variant frequency is approximately 1 fold of the estimated maximal expected allele frequency for a pathogenic variant in PRDM16 causing Cardiomyopathy phenotype (5e-05), strongly suggesting that the variant is benign. To our knowledge, no occurrence of c.*15G>A in individuals affected with Cardiomyopathy and no experimental evidence demonstrating its impact on protein function have been reported. One clinical diagnostic laboratory has submitted clinical-significance assessments for this variant to ClinVar after 2014 and classified the the variant as likely benign. Based on the evidence outlined above, the variant was classified as benign.

GeneDx
Classification: Likely benign. Last evaluated: 2018-02-16. Review status: criteria provided, single submitter. Criteria: GeneDx Variant Classification Process June 2021. Collection method: clinical testing. Allele origin: germline. Affected: yes.